The following is an entry in ClinVar:

ClinVar aggregate classification (germline): Uncertain significance (1 of 4 stars; one submission).

Conditions:
Hereditary cancer-predisposing syndrome. Also called: Tumor predisposition; Hereditary Cancer Syndrome; Hereditary neoplastic syndrome; Neoplastic Syndromes, Hereditary. Identifiers: Orphanet 140162, MedGen C0027672, MeSH D009386, MONDO:0015356.

Submission:

Ambry Genetics
Classification: Uncertain significance for Hereditary cancer-predisposing syndrome. Last evaluated: 2024-03-20. Review status: criteria provided, single submitter. Criteria: Ambry Variant Classification Scheme 2023. Collection method: clinical testing. Allele origin: germline.
Comment: The p.N933K variant (also known as c.2799T>G), located in coding exon 20 of the KIT gene, results from a T to G substitution at nucleotide position 2799. The asparagine at codon 933 is replaced by lysine, an amino acid with similar properties. This amino acid position is conserved. In addition, this alteration is predicted to be tolerated by in silico analysis. Based on the available evidence, the clinical significance of this alteration remains unclear.

NM_000222.3(KIT):c.2799T>G (p.Asn933Lys)

Gene: KIT (KIT proto-oncogene, receptor tyrosine kinase; plus strand). Cytogenetic location: 4q12.
Variant type: single nucleotide variant.
Coding change: c.2799T>G on transcript NM_000222.3 (MANE Select); coding-DNA position 2799, T replaced by G.
Protein change: p.Asn933Lys; replaces asparagine 933 with lysine.
Molecular consequence: missense variant.
Genome position (GRCh38, 1-based): chr4:54,737,277, T>G. VCF-style: chr4-54737277-T-G. GRCh37 (hg19) VCF-style: chr4-55603443-T-G.
Other names: c.2787T>G, p.Asn929Lys (NM_001093772.2, NM_001385292.1); c.2802T>G, p.Asn934Lys (NM_001385284.1); c.2796T>G, p.Asn932Lys (NM_001385285.1); c.2784T>G, p.Asn928Lys (NM_001385286.1); c.2790T>G, p.Asn930Lys (NM_001385288.1); c.2799T>G, p.Asn933Lys (NM_001385290.1); short protein forms N933K, N928K, N934K, N929K, N930K, N932K.
Identifiers: ClinVar variation 3288746 (VCV003288746.1).
Genomic context (GRCh38, chr4:54,737,277, plus strand): 5'-AAGACCAACATTCAAGCAAATTGTTCAGCTAATTGAGAAGCAGATTTCAGAGAGCACCAA[T>G]CATGTGAGTATACCCTGGCCAGGCATAGAATCCCCCTTCTCCCAGTTCCAGGTGTGTCCT-3'
Protein context (NP_000213.1, residues 923-943): LIEKQISEST[Asn933Lys]HIYSNLANCS